The following is an entry in ClinVar:

NM_138694.4(PKHD1):c.11540C>T (p.Ala3847Val)

Gene: PKHD1 (PKHD1 ciliary IPT domain containing fibrocystin/polyductin; minus strand). Cytogenetic location: 6p12.3.
Variant type: single nucleotide variant.
Coding change: c.11540C>T on transcript NM_138694.4 (MANE Select); coding-DNA position 11540, C replaced by T.
Protein change: p.Ala3847Val; replaces alanine 3847 with valine.
Molecular consequence: missense variant.
Genome position (GRCh38, 1-based): chr6:51,632,690, G>A on the plus strand (C>T on the coding strand, the complement: PKHD1 is on the minus strand). VCF-style: chr6-51632690-G-A. GRCh37 (hg19) VCF-style: chr6-51497488-G-A.
Other names: short protein forms A3847V.
Identifiers: ClinVar variation 3056108 (VCV003056108.2), dbSNP rs760780999, ClinGen allele CA3850789.
Genomic context (GRCh38, chr6:51,632,690, plus strand): 5'-GAGGACAGGGAAGCAGCCAGGATGATGGTCGACTTCTCCTTCCTAGTCACAGGCAAGACA[G>A]CAAATGGCTTGGATCGAGCTGTAAAATTGACTCCTGTGGCGGGGAAAAGAAGATGTTTCA-3'
Protein context (NP_619639.3, residues 3837-3857): VNFTARSKPF[Ala3847Val]VLPVTRKEKS

ClinVar aggregate classification (germline): Uncertain significance (0 of 4 stars; one submission).

Conditions:
PKHD1-related disorder. Also called: PKHD1-related condition.

Allele frequency attached by ClinVar (database versions not stated): gnomAD 0.00001; TOPMed 0.00002; gnomAD exomes 0.00003; ExAC 0.00004.
gnomAD v4.1: 48 of 1,613,386 alleles (0.003%); highest among the groups gnomAD compares: Non-Finnish European, 0.0029%; no homozygotes.

Submission:

PreventionGenetics, part of Exact Sciences
Classification: Uncertain significance for PKHD1-related condition. Last evaluated: 2024-01-10. Review status: no assertion criteria provided. Collection method: clinical testing. Allele origin: germline.
Comment: The PKHD1 c.11540C>T variant is predicted to result in the amino acid substitution p.Ala3847Val. To our knowledge, this variant has not been reported in the literature. This variant is reported in 0.046% of alleles in individuals of European (Finnish) descent in gnomAD. At this time, the clinical significance of this variant is uncertain due to the absence of conclusive functional and genetic evidence.